The following is an entry in ClinVar:

NM_004859.4(CLTC):c.1947+8A>T

Gene: CLTC (clathrin heavy chain; plus strand). Cytogenetic location: 17q23.1.
Variant type: single nucleotide variant.
Coding change: c.1947+8A>T on transcript NM_004859.4 (MANE Select); 8 bases into the intron after coding-DNA position 1947, A replaced by T.
Molecular consequence: intron variant.
Genome position (GRCh38, 1-based): chr17:59,666,652, A>T. VCF-style: chr17-59666652-A-T. GRCh37 (hg19) VCF-style: chr17-57744013-A-T.
Other names: c.1959+8A>T (NM_001288653.1, NM_001288653.2).
Identifiers: ClinVar variation 2118863 (VCV002118863.5), dbSNP rs1273358811, ClinGen allele CA773624168.

ClinVar aggregate classification (germline): Likely benign. Review status: criteria provided, single submitter (1 of 4 stars). 2 submissions from 2 submitters: Likely benign (1). 1 of the submissions does not count toward it. Last evaluated 2024-06-18.

Conditions:
CLTC-related disorder. Also called: CLTC-related condition.

Allele frequency attached by ClinVar (database versions not stated): TOPMed below 0.00001; gnomAD 0.00001.
gnomAD v4.1: 8 of 1,606,386 alleles (0.0005%); highest among the groups gnomAD compares: Non-Finnish European, 0.0006%; no homozygotes.

Submissions (2):

Labcorp Genetics (formerly Invitae), Labcorp
Classification: Likely benign. Last evaluated: 2024-06-18. Review status: criteria provided, single submitter. Criteria: Invitae Variant Classification Sherloc (09022015). Collection method: clinical testing. Allele origin: germline.

PreventionGenetics, part of Exact Sciences
Classification: Likely benign for CLTC-related condition. Last evaluated: 2024-09-04. Review status: no assertion criteria provided. Collection method: clinical testing. Allele origin: germline. Not counted in ClinVar's aggregate classification.
Comment: This variant is classified as likely benign based on ACMG/AMP sequence variant interpretation guidelines (Richards et al. 2015 PMID: 25741868, with internal and published modifications).